The following is an entry in ClinVar:

NM_207361.6(FREM2):c.1959G>T (p.Leu653=)

Gene: FREM2 (FRAS1 related extracellular matrix 2; plus strand). Cytogenetic location: 13q13.3.
Variant type: single nucleotide variant.
Coding change: c.1959G>T on transcript NM_207361.6 (MANE Select); coding-DNA position 1959, G replaced by T.
Protein change: p.Leu653=; no amino-acid change (leucine 653 retained).
Molecular consequence: synonymous variant.
Genome position (GRCh38, 1-based): chr13:38,689,303, G>T. VCF-style: chr13-38689303-G-T. GRCh37 (hg19) VCF-style: chr13-39263440-G-T.
Other names: c.1959G>T (NM_207361.5).
Identifiers: ClinVar variation 2959468 (VCV002959468.5), dbSNP rs1869685608, ClinGen allele CA483427665.

ClinVar aggregate classification (germline): Likely benign. Review status: criteria provided, single submitter (1 of 4 stars). 2 submissions from 2 submitters: Likely benign (1). 1 of the submissions does not count toward it. Last evaluated 2023-11-22.

Conditions:
FREM2-related disorder. Also called: FREM2-related condition.

Allele frequency attached by ClinVar (database versions not stated): gnomAD 0.00001.
gnomAD v4.1: 4 of 1,614,146 alleles (0.00025%); highest among the groups gnomAD compares: African/African-American, 0.004%; no homozygotes.

Submissions (2):

Labcorp Genetics (formerly Invitae), Labcorp
Classification: Likely benign. Last evaluated: 2023-11-22. Review status: criteria provided, single submitter. Criteria: Invitae Variant Classification Sherloc (09022015). Collection method: clinical testing. Allele origin: germline.

PreventionGenetics, part of Exact Sciences
Classification: Likely benign for FREM2-related condition. Last evaluated: 2019-05-30. Review status: no assertion criteria provided. Collection method: clinical testing. Allele origin: germline. Not counted in ClinVar's aggregate classification.
Comment: This variant is classified as likely benign based on ACMG/AMP sequence variant interpretation guidelines (Richards et al. 2015 PMID: 25741868, with internal and published modifications).